The following is an entry in ClinVar:

NM_000424.4(KRT5):c.831+5G>A

Gene: KRT5 (keratin 5; minus strand). Cytogenetic location: 12q13.13.
Variant type: single nucleotide variant.
Coding change: c.831+5G>A on transcript NM_000424.4 (MANE Select); 5 bases into the intron after coding-DNA position 831, G replaced by A.
Molecular consequence: intron variant.
Genome position (GRCh38, 1-based): chr12:52,518,098, C>T on the plus strand (G>A on the coding strand, the complement: KRT5 is on the minus strand). VCF-style: chr12-52518098-C-T. GRCh37 (hg19) VCF-style: chr12-52911882-C-T.
Identifiers: ClinVar variation 3356637 (VCV003356637.1).

ClinVar aggregate classification (germline): Uncertain significance (0 of 4 stars; one submission).

Conditions:
KRT5-related disorder. Also called: KRT5-related condition.

gnomAD v4.1: 7 of 1,614,086 alleles (0.00043%); highest among the groups gnomAD compares: East Asian, 0.0022%; no homozygotes.

Submission:

PreventionGenetics, part of Exact Sciences
Classification: Uncertain significance for KRT5-related condition. Last evaluated: 2024-09-15. Review status: no assertion criteria provided. Collection method: clinical testing. Allele origin: germline.
Comment: The KRT5 c.831+5G>A variant is predicted to interfere with splicing. Based on available splicing prediction programs (SpliceAI, Jaganathan et al. 2019. PubMed ID: 30661751), this variant is predicted to affect splicing; however, the use of computer prediction programs is not equivalent to functional evidence. To our knowledge, this variant has not been reported in the literature or in a large population database, indicating this variant is rare. At this time, the clinical significance of this variant is uncertain due to the absence of conclusive functional and genetic evidence.